The following is an entry in ClinVar:

NM_000501.4(ELN):c.1858+20G>A

Gene: ELN (elastin; plus strand). Cytogenetic location: 7q11.23.
Variant type: single nucleotide variant.
Coding change: c.1858+20G>A on transcript NM_000501.4 (MANE Select); 20 bases into the intron after coding-DNA position 1858, G replaced by A.
Molecular consequence: intron variant.
Genome position (GRCh38, 1-based): chr7:74,063,244, G>A. VCF-style: chr7-74063244-G-A. GRCh37 (hg19) VCF-style: chr7-73477574-G-A.
Other names: c.1873+20G>A (NM_001081754.3); c.1816+20G>A (NM_001081753.3); c.2044+20G>A (NM_001278939.2); c.1876+20G>A (NM_001278915.2); c.1858+20G>A (NM_001278912.2); c.1801+20G>A (NM_001081755.3); c.1714+20G>A (NM_001278916.2); c.1615+20G>A (NM_001278913.2); and 4 more.
Identifiers: ClinVar variation 508437 (VCV000508437.10), dbSNP rs200965648, ClinGen allele CA4293258.

ClinVar aggregate classification (germline): Benign/Likely benign. Review status: criteria provided, multiple submitters, no conflicts (2 of 4 stars). 3 submissions from 3 submitters: Benign (1); Likely benign (2). Last evaluated 2025-12-23.

Conditions:
Supravalvar aortic stenosis (SVAS). Also called: Supravalvar aortic stenosis, Eisenberg type. Identifiers: Orphanet 3193, MedGen C0003499, MONDO:0008504, OMIM 185500, HP:0004381.

Allele frequency attached by ClinVar (database versions not stated): gnomAD exomes 0.00025 and 0.00063; ExAC 0.00112; 1000 Genomes Project 0.00220; 1000 Genomes Project 30x 0.00234; ESP Exome Variant Server 0.00254; gnomAD 0.00256 and 0.00270; TOPMed 0.00286.
gnomAD v4.1: 766 of 1,600,322 alleles (0.048%); highest among the groups gnomAD compares: African/African-American, 0.9%; 2 homozygotes.

Submissions (3):

Labcorp Genetics (formerly Invitae), Labcorp
Classification: Benign for Supravalvar aortic stenosis. Last evaluated: 2025-12-23. Review status: criteria provided, single submitter. Criteria: Invitae Variant Classification Sherloc (09022015). Collection method: clinical testing. Allele origin: germline.

Blueprint Genetics
Classification: Likely benign. Last evaluated: 2024-11-01. Review status: criteria provided, single submitter. Criteria: ACMG Guidelines, 2015. Collection method: clinical testing. Allele origin: germline.

GeneDx
Classification: Likely benign. Last evaluated: 2017-10-05. Review status: criteria provided, single submitter. Criteria: GeneDx Variant Classification (06012015). Collection method: clinical testing. Allele origin: germline. Affected: yes.
Comment: This variant is considered likely benign or benign based on one or more of the following criteria: it is a conservative change, it occurs at a poorly conserved position in the protein, it is predicted to be benign by multiple in silico algorithms, and/or has population frequency not consistent with disease.